The following is an entry in ClinVar:

ClinVar aggregate classification (germline): Pathogenic (1 of 4 stars; one submission).

Conditions:
Cornelia de Lange syndrome 1 (CDLS1). Also called: Brachmann de Lange syndrome; NIPBL-Related Cornelia de Lange Syndrome; TYPUS DEGENERATIVUS AMSTELODAMENSIS. Identifiers: Orphanet 199, MedGen C4551851, MONDO:0007387, OMIM 122470.

Submission:

Victorian Clinical Genetics Services, Murdoch Childrens Research Institute
Classification: Pathogenic for Cornelia de Lange syndrome 1. Last evaluated: 2023-07-16. Review status: criteria provided, single submitter. Criteria: ACMG Guidelines, 2015. Collection method: clinical testing. Allele origin: germline. Inheritance: Autosomal dominant inheritance. Affected: yes.
Comment: Based on the classification scheme VCGS_Germline_v1.3.4, this variant is classified as Pathogenic. Following criteria are met: 0102 - Loss of function is a known mechanism of disease in this gene and is associated with Cornelia de Lange syndrome 1 (MIM#122470). (I) 0107 - This gene is associated with autosomal dominant disease. (I) 0115 - Variants in this gene are known to have variable expressivity. Individuals carrying pathogenic missense and in-frame variants have been reported to have less severe phenotypes compared with individuals carrying pathogenic null variants (PMID: 20301283). (I) 0205 - Variant is predicted to result in a truncated protein (premature termination codon is NOT located at least 54 nucleotides upstream of the final exon-exon junction) with less than 1/3 of the protein sequence affected. (SP) 0251 - This variant is heterozygous. (I) 0301 - Variant is absent from gnomAD (both v2 and v3). (SP) 0702 - Other truncating variants comparable to the one identified in this case have strong previous evidence for pathogenicity (DECIPHER). (SP) 0807 - This variant has no previous evidence of pathogenicity. (I) 0905 - No published segregation evidence has been identified for this variant. (I) 1007 - No published functional evidence has been identified for this variant. (SP) Legend: (SP) - Supporting pathogenic, (I) - Information, (SB) - Supporting benign

Literature cited by the submitters: PubMed 20301283.

NM_133433.4(NIPBL):c.8339del (p.Ser2780fs)

Gene: NIPBL (NIPBL cohesin loading factor; plus strand). Cytogenetic location: 5p13.2.
Variant type: Deletion.
Coding change: c.8339del on transcript NM_133433.4 (MANE Select); coding-DNA position 8339, one base deleted (G; older notation c.8339delG).
Protein change: p.Ser2780fs; shifts the reading frame from serine 2780.
Molecular consequence: frameshift variant. On other transcripts: 3 prime UTR variant (1).
Genome position (GRCh38, 1-based): chr5:37,064,816, G deleted. VCF-style (leftmost placement, unchanged base first): chr5-37064815-AG-A. GRCh37 (hg19) VCF-style: chr5-37064917-AG-A.
Other names: c.*793del (NM_015384.5); short protein forms S2780fs.
Identifiers: ClinVar variation 3254583 (VCV003254583.1), dbSNP rs2478771713.